The following is an entry in ClinVar:

NM_014714.4(IFT140):c.4036C>T (p.Arg1346Cys)

Gene: IFT140 (intraflagellar transport 140; minus strand). Cytogenetic location: 16p13.3.
Variant type: single nucleotide variant.
Coding change: c.4036C>T on transcript NM_014714.4 (MANE Select); coding-DNA position 4036, C replaced by T.
Protein change: p.Arg1346Cys; replaces arginine 1346 with cysteine.
Molecular consequence: missense variant.
Genome position (GRCh38, 1-based): chr16:1,519,885, G>A on the plus strand (C>T on the coding strand, the complement: IFT140 is on the minus strand). VCF-style: chr16-1519885-G-A. GRCh37 (hg19) VCF-style: chr16-1569886-G-A.
Other names: short protein forms R1346C.
Identifiers: ClinVar variation 592995 (VCV000592995.8), dbSNP rs556735183, ClinGen allele CA7812948.

ClinVar aggregate classification (germline): Uncertain significance. Review status: criteria provided, multiple submitters, no conflicts (2 of 4 stars). 3 submissions from 3 submitters: Uncertain significance (3). Last evaluated 2025-08-03.

Conditions:
Saldino-Mainzer syndrome (SRTD9). Also called: Renal dysplasia, retinal pigmentary dystrophy, cerebellar ataxia and skeletal dysplasia; SHORT-RIB THORACIC DYSPLASIA 9 WITHOUT POLYDACTYLY; short-rib thoracic dysplasia 9 with or without polydactyly; CONORENAL SYNDROME. Identifiers: Orphanet 140969, MedGen C1849437, MONDO:0009964, OMIM 266920.

Allele frequency attached by ClinVar (database versions not stated): gnomAD 0.00004 and 0.00005; gnomAD exomes 0.00004; TOPMed 0.00005; ExAC 0.00006; 1000 Genomes Project 30x 0.00016; 1000 Genomes Project 0.00020.
gnomAD v4.1: 65 of 1,539,074 alleles (0.0042%); highest among the groups gnomAD compares: South Asian, 0.029%; no homozygotes.

Submissions (3):

Labcorp Genetics (formerly Invitae), Labcorp
Classification: Uncertain significance for Saldino-Mainzer syndrome. Last evaluated: 2025-08-03. Review status: criteria provided, single submitter. Criteria: Invitae Variant Classification Sherloc (09022015). Collection method: clinical testing. Allele origin: germline.
Comment: This sequence change replaces arginine, which is basic and polar, with cysteine, which is neutral and slightly polar, at codon 1346 of the IFT140 protein (p.Arg1346Cys). This variant is present in population databases (rs556735183, gnomAD 0.008%), including at least one homozygous and/or hemizygous individual. This variant has not been reported in the literature in individuals affected with IFT140-related conditions. ClinVar contains an entry for this variant (Variation ID: 592995). Invitae Evidence Modeling of protein sequence and biophysical properties (such as structural, functional, and spatial information, amino acid conservation, physicochemical variation, residue mobility, and thermodynamic stability) has been performed for this missense variant. However, the output from this modeling did not meet the statistical confidence thresholds required to predict the impact of this variant on IFT140 protein function. In summary, the available evidence is currently insufficient to determine the role of this variant in disease. Therefore, it has been classified as a Variant of Uncertain Significance.

Blueprint Genetics
Classification: Uncertain significance. Last evaluated: 2024-08-30. Review status: criteria provided, single submitter. Criteria: ACMG Guidelines, 2015. Collection method: clinical testing. Allele origin: germline.

Eurofins Ntd Llc (ga)
Classification: Uncertain significance. Last evaluated: 2017-07-11. Review status: criteria provided, single submitter. Criteria: EGL Classification Definitions 2015. Collection method: clinical testing. Allele origin: germline. Observed: 1 variant allele, 1 heterozygote.